The following is an entry in ClinVar:

ClinVar aggregate classification (germline): Uncertain significance (1 of 4 stars; one submission).

Conditions:
Inborn genetic diseases. Identifiers: MedGen C0950123, MeSH D030342.

Submission:

Ambry Genetics
Classification: Uncertain significance for Inborn genetic diseases. Last evaluated: 2024-03-03. Review status: criteria provided, single submitter. Criteria: Ambry Variant Classification Scheme 2023. Collection method: clinical testing. Allele origin: germline.
Comment: The p.I876T variant (also known as c.2627T>C), located in coding exon 12 of the ATR gene, results from a T to C substitution at nucleotide position 2627. The isoleucine at codon 876 is replaced by threonine, an amino acid with similar properties. This amino acid position is conserved. In addition, this alteration is predicted to be deleterious by in silico analysis. Based on the available evidence, the clinical significance of this alteration remains unclear.

NM_001184.4(ATR):c.2627T>C (p.Ile876Thr)

Gene: ATR (ATR checkpoint kinase; minus strand). Cytogenetic location: 3q23.
Variant type: single nucleotide variant.
Coding change: c.2627T>C on transcript NM_001184.4 (MANE Select); coding-DNA position 2627, T replaced by C.
Protein change: p.Ile876Thr; replaces isoleucine 876 with threonine.
Molecular consequence: missense variant.
Genome position (GRCh38, 1-based): chr3:142,553,646, A>G on the plus strand (T>C on the coding strand, the complement: ATR is on the minus strand). VCF-style: chr3-142553646-A-G. GRCh37 (hg19) VCF-style: chr3-142272488-A-G.
Other names: c.2435T>C, p.Ile812Thr (NM_001354579.2); short protein forms I812T, I876T.
Identifiers: ClinVar variation 3221091 (VCV003221091.1), dbSNP rs2473383855, ClinGen allele CA354815275.